The following is an entry in ClinVar:

ClinVar aggregate classification (germline): Uncertain significance (1 of 4 stars; one submission).

Conditions:
Inborn genetic diseases. Identifiers: MedGen C0950123, MeSH D030342.

Submission:

Ambry Genetics
Classification: Uncertain significance for Inborn genetic diseases. Last evaluated: 2025-01-28. Review status: criteria provided, single submitter. Criteria: Ambry Variant Classification Scheme 2023. Collection method: clinical testing. Allele origin: germline.
Comment: The p.M83I variant (also known as c.249G>T), located in coding exon 1 of the CHD7 gene, results from a G to T substitution at nucleotide position 249. The methionine at codon 83 is replaced by isoleucine, an amino acid with highly similar properties. This amino acid position is conserved. In addition, this alteration is predicted to be tolerated by in silico analysis. Based on the available evidence, the clinical significance of this variant remains unclear.

NM_017780.4(CHD7):c.249G>T (p.Met83Ile)

Gene: CHD7 (chromodomain helicase DNA binding protein 7; plus strand). Cytogenetic location: 8q12.2.
Variant type: single nucleotide variant.
Coding change: c.249G>T on transcript NM_017780.4 (MANE Select); coding-DNA position 249, G replaced by T.
Protein change: p.Met83Ile; replaces methionine 83 with isoleucine.
Molecular consequence: missense variant.
Genome position (GRCh38, 1-based): chr8:60,741,681, G>T. VCF-style: chr8-60741681-G-T. GRCh37 (hg19) VCF-style: chr8-61654240-G-T.
Other names: c.249G>T, p.Met83Ile (NM_001316690.1); short protein forms M83I.
Identifiers: ClinVar variation 3832845 (VCV003832845.1).